The following is an entry in ClinVar:

NM_000081.4(LYST):c.7208G>A (p.Arg2403Gln)

Gene: LYST (lysosomal trafficking regulator; minus strand). Cytogenetic location: 1q42.3.
Variant type: single nucleotide variant.
Coding change: c.7208G>A on transcript NM_000081.4 (MANE Select); coding-DNA position 7208, G replaced by A.
Protein change: p.Arg2403Gln; replaces arginine 2403 with glutamine.
Molecular consequence: missense variant.
Genome position (GRCh38, 1-based): chr1:235,755,499, C>T on the plus strand (G>A on the coding strand, the complement: LYST is on the minus strand). VCF-style: chr1-235755499-C-T. GRCh37 (hg19) VCF-style: chr1-235918799-C-T.
Other names: c.7208G>A, p.Arg2403Gln (NM_001301365.1); short protein forms R2403Q.
Identifiers: ClinVar variation 1366478 (VCV001366478.4), dbSNP rs148704397, ClinGen allele CA1466204.

ClinVar aggregate classification (germline): Uncertain significance (1 of 4 stars; one submission).

Conditions:
Chédiak-Higashi syndrome (CHS). Also called: Chediak-Higashi Syndrome. Identifiers: Orphanet 167, MedGen C0007965, MONDO:0008963, OMIM 214500.

Allele frequency attached by ClinVar (database versions not stated): gnomAD 0.00001; gnomAD exomes 0.00001; ExAC 0.00002; TOPMed 0.00003; ESP Exome Variant Server 0.00008.
gnomAD v4.1: 19 of 1,613,546 alleles (0.0012%); highest among the groups gnomAD compares: East Asian, 0.0067%; no homozygotes.

Submission:

Labcorp Genetics (formerly Invitae), Labcorp
Classification: Uncertain significance for Chédiak-Higashi syndrome. Last evaluated: 2024-11-11. Review status: criteria provided, single submitter. Criteria: Invitae Variant Classification Sherloc (09022015). Collection method: clinical testing. Allele origin: germline.
Comment: This sequence change replaces arginine, which is basic and polar, with glutamine, which is neutral and polar, at codon 2403 of the LYST protein (p.Arg2403Gln). This variant is present in population databases (rs148704397, gnomAD 0.007%). This variant has not been reported in the literature in individuals affected with LYST-related conditions. ClinVar contains an entry for this variant (Variation ID: 1366478). Invitae Evidence Modeling of protein sequence and biophysical properties (such as structural, functional, and spatial information, amino acid conservation, physicochemical variation, residue mobility, and thermodynamic stability) indicates that this missense variant is expected to disrupt LYST protein function with a positive predictive value of 80%. In summary, the available evidence is currently insufficient to determine the role of this variant in disease. Therefore, it has been classified as a Variant of Uncertain Significance.